The following is an entry in ClinVar:

ClinVar aggregate classification (germline): Benign/Likely benign. Review status: criteria provided, multiple submitters, no conflicts (2 of 4 stars). 3 submissions from 3 submitters: Benign (1); Likely benign (2). Last evaluated 2025-08-13.

Allele frequency attached by ClinVar (database versions not stated): TOPMed 0.00003; gnomAD 0.00023; gnomAD exomes 0.00032 and 0.00069; ExAC 0.00075; 1000 Genomes Project 30x 0.00094; 1000 Genomes Project 0.00120.

Submissions (3):

Labcorp Genetics (formerly Invitae), Labcorp
Classification: Benign. Last evaluated: 2025-08-13. Review status: criteria provided, single submitter. Criteria: Invitae Variant Classification Sherloc (09022015). Collection method: clinical testing. Allele origin: germline.

CeGaT Center for Human Genetics Tuebingen
Classification: Likely benign. Last evaluated: 2024-12-01. Review status: criteria provided, single submitter. Criteria: CeGaT Center For Human Genetics Tuebingen Variant Classification Criteria Version 2. Collection method: clinical testing. Allele origin: germline. Affected: yes. Observed: 1 variant allele.
Comment: KMT2A: BP4, BP7, BS1

Blueprint Genetics
Classification: Likely benign. Last evaluated: 2024-07-05. Review status: criteria provided, single submitter. Criteria: ACMG Guidelines, 2015. Collection method: clinical testing. Allele origin: germline.

NM_001197104.2(KMT2A):c.1716G>T (p.Leu572=)

Gene: KMT2A (lysine methyltransferase 2A; plus strand). Cytogenetic location: 11q23.3.
Variant type: single nucleotide variant.
Coding change: c.1716G>T on transcript NM_001197104.2 (MANE Select); coding-DNA position 1716, G replaced by T.
Protein change: p.Leu572=; no amino-acid change (leucine 572 retained).
Molecular consequence: synonymous variant.
Genome position (GRCh38, 1-based): chr11:118,472,875, G>T. VCF-style: chr11-118472875-G-T. GRCh37 (hg19) VCF-style: chr11-118343590-G-T.
Other names: c.1716G>T, p.Leu572= (NM_005933.4).
Identifiers: ClinVar variation 1672959 (VCV001672959.22), dbSNP rs566939193, ClinGen allele CA6303440.
Genomic context (GRCh38, chr11:118,472,875, plus strand): 5'-CCCCCAGCAGCAGACCTCCTCGTCTCCACCTCCACCTCTGCTGACTCCACCGCCACCACT[G>T]CAGCCAGCCTCCAGTATCTCTGACCACACACCTTGGCTTATGCCTCCAACAATCCCCTTA-3'
Protein context (NP_001184033.1, residues 562-582): PPPLLTPPPP[Leu572=]QPASSISDHT